The following is an entry in ClinVar:

ClinVar aggregate classification (germline): Likely benign (1 of 4 stars; one submission).

Conditions:
EP300-related disorder. Also called: EP300-related condition; EP300-related disorders.

Submission:

PreventionGenetics, part of Exact Sciences
Classification: Likely benign for EP300-related condition. Last evaluated: 2026-09-16. Review status: criteria provided, single submitter. Criteria: ACMG Guidelines, 2015. Collection method: clinical testing. Allele origin: germline.
Comment: This variant is classified as likely benign based on ACMG/AMP sequence variant interpretation guidelines (Richards et al. 2015 PMID: 25741868, with internal and published modifications).

NM_001429.4(EP300):c.4743A>T (p.Ser1581=)

Gene: EP300 (EP300 lysine acetyltransferase; plus strand). Cytogenetic location: 22q13.2.
Variant type: single nucleotide variant.
Coding change: c.4743A>T on transcript NM_001429.4 (MANE Select); coding-DNA position 4743, A replaced by T.
Protein change: p.Ser1581=; no amino-acid change (serine 1581 retained).
Molecular consequence: synonymous variant.
Genome position (GRCh38, 1-based): chr22:41,173,748, A>T. VCF-style: chr22-41173748-A-T. GRCh37 (hg19) VCF-style: chr22-41569752-A-T.
Other names: c.4665A>T, p.Ser1555= (NM_001362843.2).
Identifiers: ClinVar variation 4993328 (VCV004993328.1).